The following is an entry in ClinVar:

ClinVar aggregate classification (germline): Uncertain significance (1 of 4 stars; one submission).

Conditions:
Ehlers-Danlos syndrome, classic type, 1 (EDSCL1). Also called: Ehlers-Danlos Syndrome, Classic Type, COL5A1-Related; EDS I; Ehlers-Danlos syndrome, type 1; EHLERS-DANLOS SYNDROME, GRAVIS TYPE; EHLERS-DANLOS SYNDROME, SEVERE CLASSIC TYPE. Identifiers: MedGen C0268335, MONDO:0019567, OMIM 130000.

Submission:

Labcorp Genetics (formerly Invitae), Labcorp
Classification: Uncertain significance for Ehlers-Danlos syndrome, classic type, 1. Last evaluated: 2018-05-30. Review status: criteria provided, single submitter. Criteria: Invitae Variant Classification Sherloc (09022015). Collection method: clinical testing. Allele origin: germline.
Comment: In summary, the available evidence is currently insufficient to determine the role of this variant in disease. Therefore, it has been classified as a Variant of Uncertain Significance. Experimental studies and prediction algorithms are not available for this variant, and the functional significance of the disrupted amino acids is currently unknown. This variant has not been reported in the literature in individuals with COL5A2-related disease. This variant is not present in population databases (ExAC no frequency). This variant, c.2210delinsGTCC, results in the deletion of 1 amino acid and insertion of 2 amino acids to the COL5A2 protein (p.His737delinsArgPro), but otherwise preserves the integrity of the reading frame.

NM_000393.5(COL5A2):c.2210delinsGTCC (p.His737delinsArgPro)

Gene: COL5A2 (collagen type V alpha 2 chain; minus strand). Cytogenetic location: 2q32.2.
Variant type: Indel.
Coding change: c.2210delinsGTCC on transcript NM_000393.5 (MANE Select); coding-DNA position 2210, A replaced by GTCC.
Protein change: p.His737delinsArgPro.
Molecular consequence: inframe indel.
Genome position (GRCh38, 1-based): chr2:189,058,448, T replaced by GGAC on the plus strand (A replaced by GTCC on the coding strand, the reverse complement: COL5A2 is on the minus strand). VCF-style: chr2-189058448-T-GGAC. GRCh37 (hg19) VCF-style: chr2-189923174-T-GGAC.
Identifiers: ClinVar variation 578807 (VCV000578807.6), dbSNP rs1559083259, ClinGen allele CA891842768.